The following is an entry in ClinVar:

NM_021614.4(KCNN2):c.1526A>T (p.Asn509Ile)

Gene: KCNN2 (potassium calcium-activated channel subfamily N member 2; plus strand). Cytogenetic location: 5q22.3.
Variant type: single nucleotide variant.
Coding change: c.1526A>T on transcript NM_021614.4 (MANE Select); coding-DNA position 1526, A replaced by T.
Protein change: p.Asn509Ile; replaces asparagine 509 with isoleucine.
Molecular consequence: missense variant.
Genome position (GRCh38, 1-based): chr5:114,404,745, A>T. VCF-style: chr5-114404745-A-T. GRCh37 (hg19) VCF-style: chr5-113740442-A-T.
Other names: c.1724A>T, p.Asn575Ile (NM_001372233.1); short protein forms N509I, N575I.
Identifiers: ClinVar variation 4082345 (VCV004082345.1).

ClinVar aggregate classification (germline): Uncertain significance (1 of 4 stars; one submission).

Conditions:
Neurodevelopmental disorder with or without variable movement or behavioral abnormalities (NEDMAB). Identifiers: MedGen C5676908, MONDO:0859225, OMIM 619725.

Submission:

Institute of Human Genetics, University of Leipzig Medical Center
Classification: Uncertain significance for Neurodevelopmental disorder with or without variable movement or behavioral abnormalities. Last evaluated: 2025-07-15. Review status: criteria provided, single submitter. Criteria: ACMG Guidelines, 2015. Collection method: clinical testing. Allele origin: unknown. Inheritance: Autosomal dominant inheritance. Affected: yes.
Comment: Criteria applied: PM2,PP2,PP3